The following is an entry in ClinVar:

NM_000019.4(ACAT1):c.239-8dup

Gene: ACAT1 (acetyl-CoA acetyltransferase 1; plus strand). Cytogenetic location: 11q22.3.
Variant type: Duplication.
Coding change: c.239-8dup on transcript NM_000019.4 (MANE Select); 8 bases into the intron before coding-DNA position 239, one base duplicated (T; older notation c.239-8dupT).
Molecular consequence: intron variant.
Genome position (GRCh38, 1-based): chr11:108,134,213, T duplicated; the last of 13 consecutive T bases (chr11:108,134,201-108,134,213); duplicating any one gives the same sequence. VCF-style (leftmost placement, unchanged base first): chr11-108134200-C-CT. GRCh37 (hg19) VCF-style: chr11-108004927-C-CT.
Other names: p.?; c.-32-8dup (NM_001386682.1, NM_001386681.1, NM_001386685.1 and 6 more transcripts); c.239-8dup (NM_001386677.1); c.-39-8dup (NM_001386679.1); c.120+2259dup (NM_001386678.1).
Identifiers: ClinVar variation 4683688 (VCV004683688.1).

ClinVar aggregate classification (germline): Benign (1 of 4 stars; one submission).

Submission:

Mayo Clinic Laboratories, Mayo Clinic
Classification: Benign. Last evaluated: 2022-03-18. Review status: criteria provided, single submitter. Criteria: ACMG Guidelines, 2015. Collection method: clinical testing. Allele origin: germline. Observed: 2 variant alleles.
Comment: BA1